The following is an entry in ClinVar:

NM_000255.4(MMUT):c.393G>T (p.Gln131His)

Gene: MMUT (methylmalonyl-CoA mutase; minus strand). Cytogenetic location: 6p12.3.
Variant type: single nucleotide variant.
Coding change: c.393G>T on transcript NM_000255.4 (MANE Select); coding-DNA position 393, G replaced by T.
Protein change: p.Gln131His; replaces glutamine 131 with histidine.
Molecular consequence: missense variant.
Genome position (GRCh38, 1-based): chr6:49,458,051, C>A on the plus strand (G>T on the coding strand, the complement: MMUT is on the minus strand). VCF-style: chr6-49458051-C-A. GRCh37 (hg19) VCF-style: chr6-49425764-C-A.
Other names: short protein forms Q131H.
Identifiers: ClinVar variation 2071656 (VCV002071656.4), dbSNP rs145682249, ClinGen allele CA364404820.
Genomic context (GRCh38, chr6:49,458,051, plus strand): 5'-AGGGTTGTCTGAATCATAGCCACGATGTGTCGCCAGATCAAAGGCAACTGATAATCCCTG[C>A]TGACCAGCTAAATATATAAAGAAAAATAATGTAAGATTCAAGAGTCTGGAATCAAGGTAA-3'
Protein context (NP_000246.2, residues 121-141): KFYKDNIKAG[Gln131His]QGLSVAFDLA

ClinVar aggregate classification (germline): Uncertain significance (1 of 4 stars; one submission).

Submission:

Labcorp Genetics (formerly Invitae), Labcorp
Classification: Uncertain significance. Last evaluated: 2022-02-22. Review status: criteria provided, single submitter. Criteria: Invitae Variant Classification Sherloc (09022015). Collection method: clinical testing. Allele origin: germline.
Comment: In summary, the available evidence is currently insufficient to determine the role of this variant in disease. Therefore, it has been classified as a Variant of Uncertain Significance. Algorithms developed to predict the effect of missense changes on protein structure and function are either unavailable or do not agree on the potential impact of this missense change (SIFT: "Deleterious"; PolyPhen-2: "Benign"; Align-GVGD: "Class C0"). This variant has not been reported in the literature in individuals affected with MUT-related conditions. This variant is not present in population databases (gnomAD no frequency). This sequence change replaces glutamine, which is neutral and polar, with histidine, which is basic and polar, at codon 131 of the MUT protein (p.Gln131His).